The following is an entry in ClinVar:

ClinVar aggregate classification (germline): Likely benign. Review status: criteria provided, single submitter (1 of 4 stars). 2 submissions from 2 submitters: Likely benign (1). 1 of the submissions does not count toward it. Last evaluated 2026-01-21.

Conditions:
Joubert syndrome. Also called: JOUBERT-BOLTSHAUSER SYNDROME; Familial aplasia of the vermis. Identifiers: Orphanet 475, MedGen C5979921, MONDO:0018772.
Meckel-Gruber syndrome. Also called: DYSENCEPHALIA SPLANCHNOCYSTICA; GRUBER SYNDROME; Dysencephalia splachnocystica. Identifiers: Orphanet 564, MedGen C0265215, MONDO:0018921.
CC2D2A-related disorder. Also called: CC2D2A-related disorders; CC2D2A-related condition. Identifiers: MedGen CN239313.

Allele frequency attached by ClinVar (database versions not stated): gnomAD exomes below 0.00001; TOPMed 0.00001; gnomAD 0.00003 and 0.00004; ESP Exome Variant Server 0.00009.
gnomAD v4.1: 7 of 1,552,408 alleles (0.00045%); highest among the groups gnomAD compares: African/African-American, 0.0096%; no homozygotes.

Submissions (2):

Labcorp Genetics (formerly Invitae), Labcorp
Classification: Likely benign for Joubert syndrome; Meckel-Gruber syndrome. Last evaluated: 2026-01-21. Review status: criteria provided, single submitter. Criteria: Invitae Variant Classification Sherloc (09022015). Collection method: clinical testing. Allele origin: germline.

PreventionGenetics, part of Exact Sciences
Classification: Likely benign for CC2D2A-related condition. Last evaluated: 2021-02-23. Review status: no assertion criteria provided. Collection method: clinical testing. Allele origin: germline. Not counted in ClinVar's aggregate classification.
Comment: This variant is classified as likely benign based on ACMG/AMP sequence variant interpretation guidelines (Richards et al. 2015 PMID: 25741868, with internal and published modifications).

NM_001378615.1(CC2D2A):c.4452T>A (p.Ile1484=)

Genes: CC2D2A (coiled-coil and C2 domain containing 2A; plus strand), FBXL5 (F-box and leucine rich repeat protein 5; minus strand). Cytogenetic location: 4p15.32.
Variant type: single nucleotide variant.
Coding change: c.4452T>A on transcript NM_001378615.1 (MANE Select); coding-DNA position 4452, T replaced by A.
Protein change: p.Ile1484=; no amino-acid change (isoleucine 1484 retained).
Molecular consequence: synonymous variant.
Genome position (GRCh38, 1-based): chr4:15,597,421, T>A. VCF-style: chr4-15597421-T-A. GRCh37 (hg19) VCF-style: chr4-15599044-T-A.
Other names: c.4452T>A, p.Ile1484= (NM_001080522.2); c.4305T>A, p.Ile1435= (NM_001378617.1).
Identifiers: ClinVar variation 1103149 (VCV001103149.11), dbSNP rs373762896, ClinGen allele CA2864388.